The following is an entry in ClinVar:

NM_058195.4(CDKN2A):c.30G>T (p.Arg10=)

Gene: CDKN2A (cyclin dependent kinase inhibitor 2A; minus strand). Cytogenetic location: 9p21.3.
Variant type: single nucleotide variant.
Coding change: c.30G>T on transcript NM_058195.4 (MANE Plus Clinical); coding-DNA position 30, G replaced by T.
Protein change: p.Arg10=; no amino-acid change (arginine 10 retained).
Molecular consequence: synonymous variant. On other transcripts: intron variant (1).
Genome position (GRCh38, 1-based): chr9:21,994,302, C>A on the plus strand (G>T on the coding strand, the complement: CDKN2A is on the minus strand). VCF-style: chr9-21994302-C-A. GRCh37 (hg19) VCF-style: chr9-21994301-C-A.
Other names: c.-4+519G>T (NM_001363763.2).
Identifiers: ClinVar variation 230187 (VCV000230187.11), dbSNP rs876658436, ClinGen allele CA10578854.

ClinVar aggregate classification (germline): Benign/Likely benign. Review status: criteria provided, multiple submitters, no conflicts (2 of 4 stars). 4 submissions from 4 submitters: Benign (1); Likely benign (3). Last evaluated 2025-08-12.

Conditions:
Familial melanoma. Also called: Hereditary melanoma; Hereditary cutaneous melanoma. Identifiers: Orphanet 618, MedGen C1512419, MONDO:0018961.
Hereditary cancer-predisposing syndrome. Also called: Neoplastic Syndromes, Hereditary; Hereditary neoplastic syndrome; Tumor predisposition; Hereditary Cancer Syndrome. Identifiers: Orphanet 140162, MedGen C0027672, MeSH D009386, MONDO:0015356.
Melanoma-pancreatic cancer syndrome. Identifiers: Orphanet 404560, MedGen C1838547, MONDO:0011713, OMIM 606719. Disease mechanism: loss of function.

Allele frequency attached by ClinVar (database versions not stated): gnomAD exomes below 0.00001.
gnomAD v4.1: 7 of 1,604,944 alleles (0.00044%); highest among the groups gnomAD compares: Non-Finnish European, 0.0006%; no homozygotes.

Submissions (4):

Myriad Genetics, Inc.
Classification: Benign for Melanoma-pancreatic cancer syndrome. Last evaluated: 2025-08-12. Review status: criteria provided, single submitter. Criteria: Myriad Autosomal Dominant, Autosomal Recessive and X-Linked Classification Criteria (2023). Collection method: clinical testing. Allele origin: unknown.
Comment: This variant is considered benign. This variant is a silent/synonymous amino acid change and it is not expected to impact splicing.

Labcorp Genetics (formerly Invitae), Labcorp
Classification: Likely benign for Familial melanoma. Last evaluated: 2021-07-26. Review status: criteria provided, single submitter. Criteria: Invitae Variant Classification Sherloc (09022015). Collection method: clinical testing. Allele origin: germline.

GeneDx
Classification: Likely benign. Last evaluated: 2017-06-12. Review status: criteria provided, single submitter. Criteria: GeneDx Variant Classification (06012015). Collection method: clinical testing. Allele origin: germline. Affected: yes.
Comment: This variant is considered likely benign or benign based on one or more of the following criteria: it is a conservative change, it occurs at a poorly conserved position in the protein, it is predicted to be benign by multiple in silico algorithms, and/or has population frequency not consistent with disease.

Ambry Genetics
Classification: Likely benign for Hereditary cancer-predisposing syndrome. Last evaluated: 2015-01-21. Review status: criteria provided, single submitter. Criteria: Ambry Variant Classification Scheme 2023. Collection method: clinical testing. Allele origin: germline.